The following is an entry in ClinVar:

NM_001271.4(CHD2):c.552-14T>A

Gene: CHD2 (chromodomain helicase DNA binding protein 2; plus strand). Cytogenetic location: 15q26.1.
Variant type: single nucleotide variant.
Coding change: c.552-14T>A on transcript NM_001271.4 (MANE Select); 14 bases into the intron before coding-DNA position 552, T replaced by A.
Molecular consequence: intron variant.
Genome position (GRCh38, 1-based): chr15:92,939,564, T>A. VCF-style: chr15-92939564-T-A. GRCh37 (hg19) VCF-style: chr15-93482794-T-A.
Other names: c.552-14T>A (NM_001042572.3).
Identifiers: ClinVar variation 4739387 (VCV004739387.2).

ClinVar aggregate classification (germline): Likely benign. Review status: criteria provided, multiple submitters, no conflicts (2 of 4 stars). 2 submissions from 2 submitters: Likely benign (2). Last evaluated 2026-05-13.

Conditions:
Developmental and epileptic encephalopathy 94 (DEE94). Also called: CHD2-Related Neurodevelopmental Disorders; Epileptic encephalopathy, childhood-onset. Identifiers: Orphanet 1942, Orphanet 2382, MedGen C3809278, MONDO:0014150, OMIM 615369.

Submissions (2):

Women's Health and Genetics/Laboratory Corporation of America, LabCorp
Classification: Likely benign. Last evaluated: 2026-05-13. Review status: criteria provided, single submitter. Criteria: LabCorp Variant Classification Summary - May 2015. Collection method: clinical testing. Allele origin: germline.
Comment: Variant summary: CHD2 c.552-14T>A alters a non-conserved nucleotide located at a position not widely known to affect splicing. Consensus agreement among computation tools predict no significant impact on normal splicing. However, these predictions have yet to be confirmed by functional studies. The frequency data for this variant in gnomAD is considered unreliable, as metrics indicate poor data quality at this position. To our knowledge, no occurrence of c.552-14T>A in individuals affected with CHD2-related conditions and no experimental evidence demonstrating its impact on protein function have been reported. ClinVar contains an entry for this variant (Variation ID: 4739387). Based on the evidence outlined above, the variant was classified as likely benign.

Labcorp Genetics (formerly Invitae), Labcorp
Classification: Likely benign for Developmental and epileptic encephalopathy 94. Last evaluated: 2025-06-18. Review status: criteria provided, single submitter. Criteria: Invitae Variant Classification Sherloc (09022015). Collection method: clinical testing. Allele origin: germline.